The following is an entry in ClinVar:

NM_032217.5(ANKRD17):c.5719A>G (p.Arg1907Gly)

Gene: ANKRD17 (ankyrin repeat domain 17; minus strand). Cytogenetic location: 4q13.3.
Variant type: single nucleotide variant.
Coding change: c.5719A>G on transcript NM_032217.5 (MANE Select); coding-DNA position 5719, A replaced by G.
Protein change: p.Arg1907Gly; replaces arginine 1907 with glycine.
Molecular consequence: missense variant.
Genome position (GRCh38, 1-based): chr4:73,091,909, T>C on the plus strand (A>G on the coding strand, the complement: ANKRD17 is on the minus strand). VCF-style: chr4-73091909-T-C. GRCh37 (hg19) VCF-style: chr4-73957626-T-C.
Other names: c.5380A>G, p.Arg1794Gly (NM_001286771.3); c.5716A>G, p.Arg1906Gly (NM_015574.2); c.4966A>G, p.Arg1656Gly (NM_198889.3); short protein forms R1656G, R1794G, R1906G, R1907G.
Identifiers: ClinVar variation 3251414 (VCV003251414.1), dbSNP rs199530285.
Genomic context (GRCh38, chr4:73,091,909, plus strand): 5'-ACGGACCCCAAGTGGATTGAGCTGGTGGAAAAGTACCTCCAAAGTGGGTCATGGGCAACC[T>C]TGGTGGACGGATCTGCTGGAAAGTCTGAGCAGCAAGCAAAGCATGTGCAAACTGTGGAGG-3'
Protein context (NP_115593.3, residues 1897-1917): AQTFQQIRPP[Arg1907Gly]LPMTHFGGTF

ClinVar aggregate classification (germline): Uncertain significance (1 of 4 stars; one submission).

Allele frequency attached by ClinVar (database versions not stated): gnomAD exomes below 0.00001; ExAC 0.00002; gnomAD 0.00003; TOPMed 0.00008.
gnomAD v4.1: 15 of 1,614,006 alleles (0.00093%); highest among the groups gnomAD compares: Admixed American, 0.005%; no homozygotes.

Submission:

Women's Health and Genetics/Laboratory Corporation of America, LabCorp
Classification: Uncertain significance. Last evaluated: 2024-04-09. Review status: criteria provided, single submitter. Criteria: LabCorp Variant Classification Summary - May 2015. Collection method: clinical testing. Allele origin: germline.
Comment: Variant summary: ANKRD17 c.5719A>G (p.Arg1907Gly) results in a non-conservative amino acid change in the encoded protein sequence. Three of five in-silico tools predict a damaging effect of the variant on protein function. The variant allele was found at a frequency of 2e-05 in 251438 control chromosomes (gnomAD). The available data on variant occurrences in the general population are insufficient to allow any conclusion about variant significance. To our knowledge, no occurrence of c.5719A>G in individuals affected with Chopra-Amiel Syndrome and no experimental evidence demonstrating its impact on protein function have been reported. No submitters have cited clinical-significance assessments for this variant to ClinVar. Based on the evidence outlined above, the variant was classified as uncertain significance.